The following is an entry in ClinVar:

NM_006384.4(CIB1):c.550G>C (p.Ala184Pro)

Gene: CIB1 (calcium and integrin binding 1; minus strand). Cytogenetic location: 15q26.1.
Variant type: single nucleotide variant.
Coding change: c.550G>C on transcript NM_006384.4 (MANE Select); coding-DNA position 550, G replaced by C.
Protein change: p.Ala184Pro; replaces alanine 184 with proline.
Molecular consequence: missense variant. On other transcripts: non-coding transcript variant (2).
Genome position (GRCh38, 1-based): chr15:90,230,938, C>G on the plus strand (G>C on the coding strand, the complement: CIB1 is on the minus strand). VCF-style: chr15-90230938-C-G. GRCh37 (hg19) VCF-style: chr15-90774170-C-G.
Other names: c.670G>C, p.Ala224Pro (NM_001277764.2); c.550G>C (NM_006384.3); short protein forms A184P, A224P.
Identifiers: ClinVar variation 1468542 (VCV001468542.4), dbSNP rs957577705, ClinGen allele CA274659377.
Genomic context (GRCh38, chr15:90,230,938, plus strand): 5'-GAGGCAGCAGGTCGGAACCTGCAGGTACCCAGAATGAAGGGGGACCACTGTCATACCTGG[C>G]AAAGTCTGGAGAACGGGAGATGACGTGCTGGAACTCAGAGAGGTTGATGGTTCCATCCCT-3'
Protein context (NP_006375.2, residues 174-191): QHVISRSPDF[Ala184Pro]SSFKIVL

ClinVar aggregate classification (germline): Uncertain significance. Review status: criteria provided, multiple submitters, no conflicts (2 of 4 stars). 2 submissions from 2 submitters: Uncertain significance (2). Last evaluated 2025-10-02.

Allele frequency attached by ClinVar (database versions not stated): gnomAD 0.00008 and 0.00007; gnomAD exomes 0.00001 and below 0.00001; TOPMed 0.00006.
gnomAD v4.1: 15 of 1,613,778 alleles (0.00093%); highest among the groups gnomAD compares: African/African-American, 0.02%; no homozygotes.

Submissions (2):

Ambry Genetics
Classification: Uncertain significance. Last evaluated: 2025-10-02. Review status: criteria provided, single submitter. Criteria: Ambry Variant Classification Scheme 2023. Collection method: clinical testing. Allele origin: germline.

Labcorp Genetics (formerly Invitae), Labcorp
Classification: Uncertain significance. Last evaluated: 2021-09-17. Review status: criteria provided, single submitter. Criteria: Invitae Variant Classification Sherloc (09022015). Collection method: clinical testing. Allele origin: germline.
Comment: This sequence change replaces alanine with proline at codon 224 of the CIB1 protein (p.Ala224Pro). The alanine residue is moderately conserved and there is a small physicochemical difference between alanine and proline. This variant is not present in population databases (ExAC no frequency). This variant has not been reported in the literature in individuals affected with CIB1-related conditions. Algorithms developed to predict the effect of missense changes on protein structure and function are either unavailable or do not agree on the potential impact of this missense change (SIFT: "Tolerated"; PolyPhen-2: "Not Available"; Align-GVGD: "Class C0"). In summary, the available evidence is currently insufficient to determine the role of this variant in disease. Therefore, it has been classified as a Variant of Uncertain Significance.